The following is an entry in ClinVar:

ClinVar aggregate classification (germline): Pathogenic (1 of 4 stars; one submission).

Submission:

Labcorp Genetics (formerly Invitae), Labcorp
Classification: Pathogenic. Last evaluated: 2023-10-27. Review status: criteria provided, single submitter. Criteria: Invitae Variant Classification Sherloc (09022015). Collection method: clinical testing. Allele origin: germline.
Comment: This sequence change creates a premature translational stop signal (p.Ala165Hisfs*105) in the SYNE4 gene. It is expected to result in an absent or disrupted protein product. Loss-of-function variants in SYNE4 are known to be pathogenic (PMID: 23348741, 28958982). This variant is not present in population databases (gnomAD no frequency). This variant has not been reported in the literature in individuals affected with SYNE4-related conditions. For these reasons, this variant has been classified as Pathogenic.

Literature cited by the submitters: PubMed 23348741; PubMed 28958982.

NM_001039876.3(SYNE4):c.493del (p.Ala165fs)

Gene: SYNE4 (spectrin repeat containing nuclear envelope family member 4; minus strand). Cytogenetic location: 19q13.12.
Variant type: Deletion.
Coding change: c.493del on transcript NM_001039876.3 (MANE Select); coding-DNA position 493, one base deleted (G; older notation c.493delG).
Protein change: p.Ala165fs; shifts the reading frame from alanine 165.
Molecular consequence: frameshift variant. On other transcripts: intron variant (1).
Genome position (GRCh38, 1-based): chr19:36,006,875, C deleted on the plus strand (G on the coding strand, the reverse complement: SYNE4 is on the minus strand); the first of 2 consecutive C bases (chr19:36,006,875-36,006,876); deleting either gives the same sequence. VCF-style (leftmost placement, unchanged base first): chr19-36006874-GC-G. GRCh37 (hg19) VCF-style: chr19-36497776-GC-G.
Other names: c.280-204del (NM_001297735.3); short protein forms A165fs.
Identifiers: ClinVar variation 2799588 (VCV002799588.3), dbSNP rs2514039620, ClinGen allele CA2739276668.